The following is an entry in ClinVar:

ClinVar aggregate classification (germline): Pathogenic/Likely pathogenic. Review status: criteria provided, multiple submitters, no conflicts (2 of 4 stars). 8 submissions from 8 submitters: Pathogenic (3); Likely pathogenic (1). 4 of the submissions do not count toward it. Last evaluated 2024-06-18.

Conditions:
Polycystic kidney disease 2 (PKD2). Also called: POLYCYSTIC KIDNEY DISEASE 2 WITH OR WITHOUT POLYCYSTIC LIVER DISEASE; Polycystic Kidney Disease 2, Autosomal Dominant; POLYCYSTIC KIDNEY DISEASE, ADULT, TYPE II. Identifiers: MedGen C2751306, MONDO:0013131, OMIM 613095.
PKD2-related disorder. Also called: PKD2-related condition.

Allele frequency attached by ClinVar (database versions not stated): gnomAD exomes below 0.00001.
gnomAD v4.1: 1 of 1,613,814 alleles (0.000062%); highest among the groups gnomAD compares: Non-Finnish European, 0.000085%; no homozygotes.

Submissions (9):

Department of Pathology and Laboratory Medicine, Sinai Health System
Classification: Pathogenic for Polycystic kidney disease 2. Last evaluated: 2024-06-18. Review status: criteria provided, single submitter. Criteria: ACMG Guidelines, 2015. Collection method: clinical testing. Allele origin: germline. Affected: yes.

Fulgent Genetics
Classification: Pathogenic for Polycystic kidney disease 2. Last evaluated: 2023-12-29. Review status: criteria provided, single submitter. Criteria: ACMG Guidelines, 2015. Collection method: clinical testing. Allele origin: germline.

GeneDx
Classification: Likely pathogenic. Last evaluated: 2022-03-03. Review status: criteria provided, single submitter. Criteria: GeneDx Variant Classification Process June 2021. Collection method: clinical testing. Allele origin: germline. Affected: yes.
Comment: Canonical splice site variant predicted to result in a null allele in a gene for which loss-of-function is a known mechanism of disease; Not observed at significant frequency in large population cohorts (gnomAD); Reported to segregate in a family with polycystic kidney disease in published literature (Veldhuisen et al., 1997); however, clinical and segregation data were limited; This variant is associated with the following publications: (PMID: 10411676, 11438989, 9326320)

Athena Diagnostics
Classification: Pathogenic. Last evaluated: 2021-10-06. Review status: criteria provided, single submitter. Criteria: Athena Diagnostics Criteria. Collection method: clinical testing. Allele origin: unknown.
Comment: This variant is expected to severely impact normal RNA splicing, and consequently, protein structure and/or function. This variant has not been reported in large, multi-ethnic general populations. This variant has been identified in at least one individual with clinical features associated with this gene.

PreventionGenetics, part of Exact Sciences
Classification: Pathogenic for PKD2-related condition. Last evaluated: 2024-08-14. Review status: no assertion criteria provided. Collection method: clinical testing. Allele origin: germline. Not counted in ClinVar's aggregate classification.
Comment: The PKD2 c.710-2A>G variant is predicted to disrupt the AG splice acceptor site and interfere with normal splicing. This variant was reported in an individual with polycystic kidney disease (Patient PK5197 in Veldhuisen et al. 1997. PubMed ID: 9326320). This variant has not been reported in a large population database, indicating this variant is rare. Variants that disrupt the consensus splice acceptor site in PKD2 are expected to be pathogenic. This variant is interpreted as pathogenic.

Dr. Peter K. Rogan Lab, Western University
No classification provided (evidence only). Condition: Squamous cell lung carcinoma. Review status: no classification provided. Collection method: in vitro. Allele origin: not applicable. Functional consequence: retained intron. Not counted in ClinVar's aggregate classification.

Genome Diagnostics Laboratory, University Medical Center Utrecht
Classification: Pathogenic. Review status: no assertion criteria provided. Collection method: clinical testing. Allele origin: germline. Affected: yes. Study: VKGL Data-share Consensus. Not counted in ClinVar's aggregate classification.

Joint Genome Diagnostic Labs from Nijmegen and Maastricht, Radboudumc and MUMC+
Classification: Pathogenic. Review status: no assertion criteria provided. Collection method: clinical testing. Allele origin: germline. Affected: yes. Study: VKGL Data-share Consensus. Not counted in ClinVar's aggregate classification.

Laboratory of Diagnostic Genome Analysis, Leiden University Medical Center (LUMC)
Classification: Pathogenic. Review status: no assertion criteria provided. Collection method: clinical testing. Allele origin: germline. Affected: yes. Study: VKGL Data-share Consensus. Not counted in ClinVar's aggregate classification.

Literature cited by the submitters: PubMed 9326320 (cited by Department of Pathology and Laboratory Medicine, Sinai Health System and Athena Diagnostics).

NM_000297.4(PKD2):c.710-2A>G

Gene: PKD2 (polycystin 2, transient receptor potential cation channel; plus strand). Cytogenetic location: 4q22.1.
Variant type: single nucleotide variant.
Coding change: c.710-2A>G on transcript NM_000297.4 (MANE Select); the canonical splice acceptor site of the intron before coding-DNA position 710, A replaced by G.
Molecular consequence: splice acceptor variant.
Genome position (GRCh38, 1-based): chr4:88,036,218, A>G. VCF-style: chr4-88036218-A-G. GRCh37 (hg19) VCF-style: chr4-88957370-A-G.
Other names: NC_000004.11:g.88957370A>G.
Identifiers: ClinVar variation 1285124 (VCV001285124.11), dbSNP rs2110104722, ClinGen allele CA357630863.